The following is an entry in ClinVar:

ClinVar aggregate classification (germline): Benign/Likely benign. Review status: criteria provided, multiple submitters, no conflicts (2 of 4 stars). 3 submissions from 3 submitters: Benign (1); Likely benign (2). Last evaluated 2026-01-22.

Submissions (3):

Labcorp Genetics (formerly Invitae), Labcorp
Classification: Benign. Last evaluated: 2026-01-22. Review status: criteria provided, single submitter. Criteria: Invitae Variant Classification Sherloc (09022015). Collection method: clinical testing. Allele origin: germline.

Women's Health and Genetics/Laboratory Corporation of America, LabCorp
Classification: Likely benign. Last evaluated: 2025-02-03. Review status: criteria provided, single submitter. Criteria: LabCorp Variant Classification Summary - May 2015. Collection method: clinical testing. Allele origin: germline.
Comment: Variant summary: PRDM5 c.651-21_651-20delCT alters a non-conserved nucleotide located at a position not widely known to affect splicing. Consensus agreement among computation tools predict no significant impact on normal splicing. However, these predictions have yet to be confirmed by functional studies. The variant allele was found at a frequency of 0.00035 in 1590268 control chromosomes in the gnomAD database, including 3 homozygotes. This frequency is not significantly higher than estimated for a pathogenic variant in PRDM5 causing Brittle cornea syndrome 2, allowing no conclusion about variant significance. To our knowledge, no occurrence of c.651-21_651-20delCT in individuals affected with Brittle cornea syndrome 2 and no experimental evidence demonstrating its impact on protein function have been reported. ClinVar contains an entry for this variant (Variation ID: 518132). Based on the evidence outlined above, the variant was classified as likely benign.

GeneDx
Classification: Likely benign. Last evaluated: 2017-12-29. Review status: criteria provided, single submitter. Criteria: GeneDx Variant Classification (06012015). Collection method: clinical testing. Allele origin: germline. Affected: yes.
Comment: This variant is considered likely benign or benign based on one or more of the following criteria: it is a conservative change, it occurs at a poorly conserved position in the protein, it is predicted to be benign by multiple in silico algorithms, and/or has population frequency not consistent with disease.

NM_018699.4(PRDM5):c.651-21_651-20del

Gene: PRDM5 (PR/SET domain 5; minus strand). Cytogenetic location: 4q27.
Variant type: Microsatellite.
Coding change: c.651-21_651-20del on transcript NM_018699.4 (MANE Select); 21 bases into the intron before coding-DNA position 651 through 20 bases into the intron before coding-DNA position 651, 2 bases deleted (CT; older notation c.651-21_651-20delCT).
Molecular consequence: intron variant.
Genome position (GRCh38, 1-based): chr4:120,816,944-120,816,945, AG deleted on the plus strand (CT on the coding strand, the reverse complement: PRDM5 is on the minus strand); deleting any 2 consecutive bases within chr4:120,816,944-120,816,948 gives the same sequence; the c. name uses the placement nearest the transcript's 3' end. VCF-style (leftmost placement, unchanged base first): chr4-120816943-AAG-A. GRCh37 (hg19) VCF-style: chr4-121738098-AAG-A.
Other names: c.651-21_651-20delCT (NM_018699.4, NM_018699.2); c.651-371_651-370del (NM_001300824.2, NM_001379106.1, NM_001300823.2); c.651-21_651-20del (NM_001379104.1).
Identifiers: ClinVar variation 518132 (VCV000518132.9), dbSNP rs756265026, ClinGen allele CA3061333.